The following is an entry in ClinVar:

NM_033641.4(COL4A6):c.324+6T>C

Gene: COL4A6 (collagen type IV alpha 6 chain; minus strand). Cytogenetic location: Xq22.3.
Variant type: single nucleotide variant.
Coding change: c.324+6T>C on transcript NM_033641.4 (MANE Select); 6 bases into the intron after coding-DNA position 324, T replaced by C.
Molecular consequence: intron variant.
Genome position (GRCh38, 1-based): chrX:108,219,692, A>G on the plus strand (T>C on the coding strand, the complement: COL4A6 is on the minus strand). VCF-style: chrX-108219692-A-G. GRCh37 (hg19) VCF-style: chrX-107462922-A-G.
Other names: c.327+6T>C (NM_001847.4); c.324+6T>C (NM_001287760.2, NM_001287759.2, NM_001287758.2).
Identifiers: ClinVar variation 2098609 (VCV002098609.4), dbSNP rs761773870, ClinGen allele CA10488199.

ClinVar aggregate classification (germline): Uncertain significance (1 of 4 stars; one submission).

Allele frequency attached by ClinVar (database versions not stated): ExAC 0.00001; gnomAD exomes 0.00001.
gnomAD v4.1: 7 of 1,206,172 alleles (0.00058%); highest among the groups gnomAD compares: Middle Eastern, 0.023%; no homozygotes.

Submission:

Labcorp Genetics (formerly Invitae), Labcorp
Classification: Uncertain significance. Last evaluated: 2022-05-25. Review status: criteria provided, single submitter. Criteria: Invitae Variant Classification Sherloc (09022015). Collection method: clinical testing. Allele origin: germline.
Comment: In summary, the available evidence is currently insufficient to determine the role of this variant in disease. Therefore, it has been classified as a Variant of Uncertain Significance. Variants that disrupt the consensus splice site are a relatively common cause of aberrant splicing (PMID: 17576681, 9536098). Algorithms developed to predict the effect of sequence changes on RNA splicing suggest that this variant may disrupt the consensus splice site. This variant has not been reported in the literature in individuals affected with COL4A6-related conditions. This variant is present in population databases (rs761773870, gnomAD 0.004%). This sequence change falls in intron 5 of the COL4A6 gene. It does not directly change the encoded amino acid sequence of the COL4A6 protein. It affects a nucleotide within the consensus splice site.

Literature cited by the submitters: PubMed 17576681; PubMed 9536098.